The following is an entry in ClinVar:

ClinVar aggregate classification (germline): Conflicting classifications of pathogenicity. Review status: criteria provided, conflicting classifications (1 of 4 stars). 5 submissions from 5 submitters: Pathogenic (2); Likely pathogenic (1); Uncertain significance (1). 1 of the submissions does not count toward it. Last evaluated 2025-12-19.

Conditions:
Glycine encephalopathy. Also called: Nonketotic hyperglycinemia; Non-ketotic hyperglycinemia. Identifiers: Orphanet 407, MedGen C0751748, MONDO:0011612, HP:0008288.
Neurodevelopmental delay. Identifiers: MedGen C4022738, HP:0012758.

Allele frequency attached by ClinVar (database versions not stated): gnomAD exomes 0.00001; ExAC 0.00002; gnomAD 0.00003 and 0.00004; TOPMed 0.00001.

Submissions (5):

Natera, Inc.
Classification: Likely pathogenic for Non-ketotic hyperglycinemia. Last evaluated: 2025-12-19. Review status: criteria provided, single submitter. Criteria: Natera Variant Classification Schema (03/2026). Collection method: clinical testing. Allele origin: germline.
Comment: The c.-55C>T variant in AMT is a 5' untranslated region (UTR) variant located upstream of the translation start codon. This variant is rare in the general population with a frequency below the threshold expected for the associated phenotype(s). This variant has been observed in one or more individuals affected with the associated recessive disease, as either homozygous or compound heterozygous with a second variant (PMID: 27362913, 19299230). This variant has been identified in one or more affected individuals with a phenotype highly consistent with the associated gene (PMID:27362913). Given the available evidence, this variant is classified as Likely Pathogenic.

Labcorp Genetics (formerly Invitae), Labcorp
Classification: Pathogenic for Glycine encephalopathy. Last evaluated: 2023-03-27. Review status: criteria provided, single submitter. Criteria: Invitae Variant Classification Sherloc (09022015). Collection method: clinical testing. Allele origin: germline.
Comment: This variant occurs in a non-coding region of the AMT gene. It does not change the encoded amino acid sequence of the AMT protein. The frequency data for this variant in the population databases is considered unreliable, as metrics indicate poor data quality at this position in the gnomAD database. This variant has been observed in individual(s) with glycine encephalopathy (PMID: 19299230, 27362913). In at least one individual the data is consistent with being in trans (on the opposite chromosome) from a pathogenic variant. ClinVar contains an entry for this variant (Variation ID: 56225). Experimental studies and prediction algorithms are not available or were not evaluated, and the functional significance of this variant is currently unknown. For these reasons, this variant has been classified as Pathogenic.

Myriad Genetics, Inc.
Classification: Uncertain significance for Glycine encephalopathy 1. Last evaluated: 2021-11-18. Review status: criteria provided, single submitter. Criteria: Myriad Women's Health Autosomal Recessive and X-Linked Classification Criteria (2021). Collection method: clinical testing. Allele origin: unknown.
Comment: NM_000481.3(AMT):c.-55C>T is a non coding variant classified as a variant of uncertain significance in the context of glycine encephalopathy, AMT-related. c.-55C>T has been observed in cases with relevant disease (PMID: 27362913, 19299230). Functional assessments of this variant are not available in the literature. c.-55C>T has been observed in population frequency databases (gnomAD: OTH 0.017%). In summary, there is insufficient evidence to classify NM_000481.3(AMT):c.-55C>T as pathogenic or benign. Please note: this variant was assessed in the context of healthy population screening.

Centre de Biologie Pathologie Génétique, Centre Hospitalier Universitaire de Lille
Classification: Pathogenic for Neurodevelopmental delay. Review status: criteria provided, single submitter. Criteria: ACMG Guidelines, 2015. Collection method: clinical testing. Allele origin: unknown. Affected: yes.

Juha Muilu Group; Institute for Molecular Medicine Finland (FIMM)
Classification: Likely pathogenic for Non-ketotic hyperglycinemia. Review status: no assertion criteria provided. Collection method: not provided. Allele origin: unknown. Not counted in ClinVar's aggregate classification.
Comment: FinDis database variant: This variant was not found or characterized by our laboratory, data were collected from public sources: see reference
ClinVar note: Converted during submission from probable-pathogenic to Likely pathogenic.

Literature cited by the submitters: PubMed 27362913 (cited by 3 submitters); PubMed 19299230 (cited by 3 submitters).

NM_000481.4(AMT):c.-55C>T

Genes: AMT (aminomethyltransferase; minus strand), NICN1 (nicolin 1, tubulin polyglutamylase complex subunit; minus strand). Cytogenetic location: 3p21.31.
Variant type: single nucleotide variant.
Coding change: c.-55C>T on transcript NM_000481.4 (MANE Select); 55 bases upstream of the start codon, C replaced by T.
Molecular consequence: 3 prime UTR variant (on NM_032316.3).
Genome position (GRCh38, 1-based): chr3:49,422,505, G>A on the plus strand (C>T on the coding strand, the complement: AMT is on the minus strand). VCF-style: chr3-49422505-G-A. GRCh37 (hg19) VCF-style: chr3-49459938-G-A.
Other names: c.-55C>T (NM_000481.3); c.*2328C>T (NM_032316.3).
Identifiers: ClinVar variation 56225 (VCV000056225.19), dbSNP rs386833677, ClinGen allele CA263561.